The following is an entry in ClinVar:

ClinVar aggregate classification (germline): Uncertain significance (1 of 4 stars; one submission).

Conditions:
Early-infantile DEE. Also called: Early infantile epileptic encephalopathy; Early infantile epileptic encephalopathy with suppression bursts; Ohtahara syndrome. Identifiers: Orphanet 1934, MedGen C0393706, MONDO:0800491.

Submission:

Labcorp Genetics (formerly Invitae), Labcorp
Classification: Uncertain significance for Early-infantile DEE. Last evaluated: 2023-04-28. Review status: criteria provided, single submitter. Criteria: Invitae Variant Classification Sherloc (09022015). Collection method: clinical testing. Allele origin: germline.
Comment: This sequence change replaces asparagine, which is neutral and polar, with serine, which is neutral and polar, at codon 308 of the SCN8A protein (p.Asn308Ser). This variant is not present in population databases (gnomAD no frequency). This variant has not been reported in the literature in individuals affected with SCN8A-related conditions. ClinVar contains an entry for this variant (Variation ID: 2097627). Advanced modeling of protein sequence and biophysical properties (such as structural, functional, and spatial information, amino acid conservation, physicochemical variation, residue mobility, and thermodynamic stability) performed at Invitae indicates that this missense variant is not expected to disrupt SCN8A protein function. In summary, the available evidence is currently insufficient to determine the role of this variant in disease. Therefore, it has been classified as a Variant of Uncertain Significance.

NM_001330260.2(SCN8A):c.923A>G (p.Asn308Ser)

Gene: SCN8A (sodium voltage-gated channel alpha subunit 8; plus strand). Cytogenetic location: 12q13.13.
Variant type: single nucleotide variant.
Coding change: c.923A>G on transcript NM_001330260.2 (MANE Select); coding-DNA position 923, A replaced by G.
Protein change: p.Asn308Ser; replaces asparagine 308 with serine.
Molecular consequence: missense variant.
Genome position (GRCh38, 1-based): chr12:51,699,786, A>G. VCF-style: chr12-51699786-A-G. GRCh37 (hg19) VCF-style: chr12-52093570-A-G.
Other names: c.923A>G, p.Asn308Ser (NM_001177984.3, NM_001369788.1, NM_014191.4); short protein forms N308S.
Identifiers: ClinVar variation 2097627 (VCV002097627.4), dbSNP rs1941653981, ClinGen allele CA385226841.
Genomic context (GRCh38, chr12:51,699,786, plus strand): 5'-TCAACGAGAGCTATCTTGAAAATGGCACCAAAGGCTTTGATTGGGAAGAGTATATCAACA[A>G]TAAAAGTAGGTGGCCTCTTCTCTGCAAGAGGAATAGGAAAAGTCTATTCCTAGTTCACAT-3'
Protein context (NP_001317189.1, residues 298-318): KGFDWEEYIN[Asn308Ser]KTNFYTVPGM